The following is an entry in ClinVar:

ClinVar aggregate classification (germline): Uncertain significance. Review status: criteria provided, multiple submitters, no conflicts (2 of 4 stars). 2 submissions from 2 submitters: Uncertain significance (2). Last evaluated 2025-08-21.

Allele frequency attached by ClinVar (database versions not stated): gnomAD 0.00001.
gnomAD v4.1: 1 of 1,613,900 alleles (0.000062%); highest among the groups gnomAD compares: African/African-American, 0.0013%; no homozygotes.

Submissions (2):

Ambry Genetics
Classification: Uncertain significance. Last evaluated: 2025-08-21. Review status: criteria provided, single submitter. Criteria: Ambry Variant Classification Scheme 2023. Collection method: clinical testing. Allele origin: germline.

Labcorp Genetics (formerly Invitae), Labcorp
Classification: Uncertain significance. Last evaluated: 2023-03-24. Review status: criteria provided, single submitter. Criteria: Invitae Variant Classification Sherloc (09022015). Collection method: clinical testing. Allele origin: germline.
Comment: In summary, the available evidence is currently insufficient to determine the role of this variant in disease. Therefore, it has been classified as a Variant of Uncertain Significance. An algorithm developed to predict the effect of missense changes on protein structure and function (PolyPhen-2) suggests that this variant is likely to be tolerated. This variant has not been reported in the literature in individuals affected with RNF31-related conditions. This variant is present in population databases (no rsID available, gnomAD 0.01%). This sequence change replaces glycine, which is neutral and non-polar, with serine, which is neutral and polar, at codon 748 of the RNF31 protein (p.Gly748Ser).

NM_017999.5(RNF31):c.2242G>A (p.Gly748Ser)

Gene: RNF31 (ring finger protein 31; plus strand). Cytogenetic location: 14q12.
Variant type: single nucleotide variant.
Coding change: c.2242G>A on transcript NM_017999.5 (MANE Select); coding-DNA position 2242, G replaced by A.
Protein change: p.Gly748Ser; replaces glycine 748 with serine.
Molecular consequence: missense variant.
Genome position (GRCh38, 1-based): chr14:24,155,268, G>A. VCF-style: chr14-24155268-G-A. GRCh37 (hg19) VCF-style: chr14-24624477-G-A.
Other names: c.1789G>A, p.Gly597Ser (NM_001310332.2); c.2242G>A (NM_017999.4); short protein forms G597S, G748S.
Identifiers: ClinVar variation 2912407 (VCV002912407.4), dbSNP rs1180514194, ClinGen allele CA389301808.